The following is an entry in ClinVar:

ClinVar aggregate classification (germline): Uncertain significance (1 of 4 stars; one submission).

Submission:

Labcorp Genetics (formerly Invitae), Labcorp
Classification: Uncertain significance. Last evaluated: 2021-05-05. Review status: criteria provided, single submitter. Criteria: Invitae Variant Classification Sherloc (09022015). Collection method: clinical testing. Allele origin: germline.
Comment: This sequence change replaces arginine with glycine at codon 188 of the MSH3 protein (p.Arg188Gly). The arginine residue is weakly conserved and there is a moderate physicochemical difference between arginine and glycine. This variant is not present in population databases (ExAC no frequency). In summary, the available evidence is currently insufficient to determine the role of this variant in disease. Therefore, it has been classified as a Variant of Uncertain Significance. Algorithms developed to predict the effect of missense changes on protein structure and function (SIFT, PolyPhen-2, Align-GVGD) all suggest that this variant is likely to be tolerated, but these predictions have not been confirmed by published functional studies and their clinical significance is uncertain. This variant has not been reported in the literature in individuals with MSH3-related conditions.

NM_002439.5(MSH3):c.562C>G (p.Arg188Gly)

Gene: MSH3 (mutS homolog 3; plus strand). Cytogenetic location: 5q14.1.
Variant type: single nucleotide variant.
Coding change: c.562C>G on transcript NM_002439.5 (MANE Select); coding-DNA position 562, C replaced by G.
Protein change: p.Arg188Gly; replaces arginine 188 with glycine.
Molecular consequence: missense variant.
Genome position (GRCh38, 1-based): chr5:80,665,346, C>G. VCF-style: chr5-80665346-C-G. GRCh37 (hg19) VCF-style: chr5-79961165-C-G.
Other names: short protein forms R188G.
Identifiers: ClinVar variation 1404435 (VCV001404435.8), dbSNP rs147289289, ClinGen allele CA360264560.